The following is an entry in ClinVar:

ClinVar aggregate classification (germline): Pathogenic/Likely pathogenic. Review status: criteria provided, multiple submitters, no conflicts (2 of 4 stars). 3 submissions from 3 submitters: Pathogenic (1); Likely pathogenic (2). Last evaluated 2025-09-04.

Conditions:
Combined oxidative phosphorylation deficiency 44. Also called: FASTKD2-Related Combined Oxidative Phosphorylation Deficiency. Identifiers: MedGen C5394293, MONDO:0030020, OMIM 618855.

Allele frequency attached by ClinVar (database versions not stated): gnomAD exomes below 0.00001 and 0.00001; ExAC 0.00001; gnomAD 0.00001; TOPMed 0.00002.
gnomAD v4.1: 18 of 1,604,588 alleles (0.0011%); highest among the groups gnomAD compares: Non-Finnish European, 0.0015%; no homozygotes.

Submissions (3):

Variantyx, Inc.
Classification: Likely pathogenic for Combined oxidative phosphorylation deficiency 44. Last evaluated: 2025-09-04. Review status: criteria provided, single submitter. Criteria: Variantyx Assertion Criteria 2022. Collection method: clinical testing. Allele origin: germline. Inheritance: Autosomal recessive inheritance. Affected: no.
Comment: This is a nonsense variant in the FASTKD2 gene (OMIM: 612322). Pathogenic variants in this gene have been associated with autosomal recessive combined oxidative phosphorylation deficiency 44. This variant introduces a premature termination codon in exon 4 out of 12 and is expected to result in loss of function, which is a known disease mechanism for FASTKD2 in this disorder (PMID:18771761;31944455) (PVS1). This variant has a 0.0015% maximum allele frequency in non-founder control populations (PM2). Based on the current evidence, this variant is classified as likely pathogenic for autosomal recessive combined oxidative phosphorylation deficiency 44.

GeneDx
Classification: Pathogenic. Last evaluated: 2022-06-20. Review status: criteria provided, single submitter. Criteria: GeneDx Variant Classification Process June 2021. Collection method: clinical testing. Allele origin: germline. Affected: yes.
Comment: Nonsense variant predicted to result in protein truncation or nonsense mediated decay in a gene for which loss-of-function is a known mechanism of disease; Not observed at significant frequency in large population cohorts (gnomAD); Has not been previously published as pathogenic or benign to our knowledge

Fulgent Genetics
Classification: Likely pathogenic for Combined oxidative phosphorylation deficiency 44. Last evaluated: 2022-04-16. Review status: criteria provided, single submitter. Criteria: ACMG Guidelines, 2015. Collection method: clinical testing. Allele origin: unknown.

Literature cited by the submitters: PubMed 18771761 (cited by Variantyx, Inc.); PubMed 31944455 (cited by Variantyx, Inc.).

NM_001136193.2(FASTKD2):c.906G>A (p.Trp302Ter)

Gene: FASTKD2 (FAST kinase domains 2; plus strand). Cytogenetic location: 2q33.3.
Variant type: single nucleotide variant.
Coding change: c.906G>A on transcript NM_001136193.2 (MANE Select); coding-DNA position 906, G replaced by A.
Protein change: p.Trp302Ter; replaces tryptophan 302 with a stop codon.
Molecular consequence: nonsense.
Genome position (GRCh38, 1-based): chr2:206,771,206, G>A. VCF-style: chr2-206771206-G-A. GRCh37 (hg19) VCF-style: chr2-207635930-G-A.
Other names: c.906G>A, p.Trp302Ter (NM_001136194.2, NM_014929.4); short protein forms W302*.
Identifiers: ClinVar variation 1693102 (VCV001693102.4), dbSNP rs751316870, ClinGen allele CA2074999.